The following is an entry in ClinVar:

ClinVar aggregate classification (germline): Uncertain significance (1 of 4 stars; one submission).

Conditions:
Walker-Warburg congenital muscular dystrophy. Also called: Muscular dystrophy-dystroglycanopathy, type A; Walker-Warburg syndrome. Identifiers: Orphanet 899, MedGen C0265221, MONDO:0000171.

Submission:

Labcorp Genetics (formerly Invitae), Labcorp
Classification: Uncertain significance for Walker-Warburg congenital muscular dystrophy. Last evaluated: 2022-02-03. Review status: criteria provided, single submitter. Criteria: Invitae Variant Classification Sherloc (09022015). Collection method: clinical testing. Allele origin: germline.
Comment: This variant is not present in population databases (gnomAD no frequency). This sequence change replaces proline, which is neutral and non-polar, with alanine, which is neutral and non-polar, at codon 315 of the FKRP protein (p.Pro315Ala). This variant has not been reported in the literature in individuals affected with FKRP-related conditions. In summary, the available evidence is currently insufficient to determine the role of this variant in disease. Therefore, it has been classified as a Variant of Uncertain Significance. Algorithms developed to predict the effect of missense changes on protein structure and function are either unavailable or do not agree on the potential impact of this missense change (SIFT: "Deleterious"; PolyPhen-2: "Probably Damaging"; Align-GVGD: "Class C0"). ClinVar contains an entry for this variant (Variation ID: 971119).

NM_024301.5(FKRP):c.943C>G (p.Pro315Ala)

Gene: FKRP (fukutin related protein; plus strand). Cytogenetic location: 19q13.32.
Variant type: single nucleotide variant.
Coding change: c.943C>G on transcript NM_024301.5 (MANE Select); coding-DNA position 943, C replaced by G.
Protein change: p.Pro315Ala; replaces proline 315 with alanine.
Molecular consequence: missense variant.
Genome position (GRCh38, 1-based): chr19:46,756,393, C>G. VCF-style: chr19-46756393-C-G. GRCh37 (hg19) VCF-style: chr19-47259650-C-G.
Other names: c.943C>G, p.Pro315Ala (NM_001039885.3); short protein forms P315A.
Identifiers: ClinVar variation 971119 (VCV000971119.10), dbSNP rs1161657651, ClinGen allele CA406496333.
Genomic context (GRCh38, chr19:46,756,393, plus strand): 5'-CGCTGCTTCGGAACCGTGGTGGGCGACACGCCCGCCTACCTCTACGAGGAGCGCTGGACG[C>G]CCCCCTGCTGCCTGCGCGCGCTGCGCGAGACCGCCCGCTATGTGGTGGGCGTGCTGGAGG-3'
Protein context (NP_077277.1, residues 305-325): PAYLYEERWT[Pro315Ala]PCCLRALRET